The following is an entry in ClinVar:

NM_001458.5(FLNC):c.2362A>C (p.Thr788Pro)

Gene: FLNC (filamin C; plus strand). Cytogenetic location: 7q32.1.
Variant type: single nucleotide variant.
Coding change: c.2362A>C on transcript NM_001458.5 (MANE Select); coding-DNA position 2362, A replaced by C.
Protein change: p.Thr788Pro; replaces threonine 788 with proline.
Molecular consequence: missense variant.
Genome position (GRCh38, 1-based): chr7:128,842,671, A>C. VCF-style: chr7-128842671-A-C. GRCh37 (hg19) VCF-style: chr7-128482725-A-C.
Other names: c.2362A>C, p.Thr788Pro (NM_001127487.2); short protein forms T788P.
Identifiers: ClinVar variation 3344376 (VCV003344376.1).
Genomic context (GRCh38, chr7:128,842,671, plus strand): 5'-AAGGTGTACGGCCCCGGAGTGGAGAAGACAGGCCTCAAGGCCAATGAGCCCACCTACTTC[A>C]CGGTGGACTGCAGCGAGGCGGGGCAAGGTGCGCCCAGCCGGAAGGGGTGGGTCTGGGAGG-3'
Protein context (NP_001449.3, residues 778-798): GLKANEPTYF[Thr788Pro]VDCSEAGQGD

ClinVar aggregate classification (germline): Uncertain significance (0 of 4 stars; one submission).

Conditions:
FLNC-related disorder. Also called: FLNC-related condition; FLNC-related disorders.

Submission:

PreventionGenetics, part of Exact Sciences
Classification: Uncertain significance for FLNC-related condition. Last evaluated: 2024-09-10. Review status: no assertion criteria provided. Collection method: clinical testing. Allele origin: germline.
Comment: The FLNC c.2362A>C variant is predicted to result in the amino acid substitution p.Thr788Pro. To our knowledge, this variant has not been reported in the literature or in a large population database, indicating this variant is rare. At this time, the clinical significance of this variant is uncertain due to the absence of conclusive functional and genetic evidence.